The following is an entry in ClinVar:

NM_006486.3(FBLN1):c.1090G>C (p.Ala364Pro)

Gene: FBLN1 (fibulin 1; plus strand). Cytogenetic location: 22q13.31.
Variant type: single nucleotide variant.
Coding change: c.1090G>C on transcript NM_006486.3 (MANE Select); coding-DNA position 1090, G replaced by C.
Protein change: p.Ala364Pro; replaces alanine 364 with proline.
Molecular consequence: missense variant.
Genome position (GRCh38, 1-based): chr22:45,542,178, G>C. VCF-style: chr22-45542178-G-C. GRCh37 (hg19) VCF-style: chr22-45938058-G-C.
Other names: c.1090G>C, p.Ala364Pro (NM_001996.4, NM_006485.4, NM_006487.3); short protein forms A364P.
Identifiers: ClinVar variation 4754186 (VCV004754186.1).

ClinVar aggregate classification (germline): Uncertain significance (1 of 4 stars; one submission).

gnomAD v4.1: 17 of 1,614,082 alleles (0.0011%); highest among the groups gnomAD compares: Admixed American, 0.0017%; no homozygotes.

Submission:

Labcorp Genetics (formerly Invitae), Labcorp
Classification: Uncertain significance. Last evaluated: 2025-11-03. Review status: criteria provided, single submitter. Criteria: Invitae Variant Classification Sherloc (09022015). Collection method: clinical testing. Allele origin: germline.
Comment: This sequence change replaces alanine, which is neutral and non-polar, with proline, which is neutral and non-polar, at codon 364 of the FBLN1 protein (p.Ala364Pro). This variant is present in population databases (rs766178236, gnomAD 0.003%). This variant has not been reported in the literature in individuals affected with FBLN1-related conditions. An algorithm developed to predict the effect of missense changes on protein structure and function (PolyPhen-2) suggests that this variant is likely to be disruptive. In summary, the available evidence is currently insufficient to determine the role of this variant in disease. Therefore, it has been classified as a Variant of Uncertain Significance.